The following is an entry in ClinVar:

ClinVar aggregate classification (germline): Uncertain significance (1 of 4 stars; one submission).

Conditions:
Polyhydramnios, megalencephaly, and symptomatic epilepsy (PMSE). Also called: PMSE SYNDROME. Identifiers: Orphanet 500533, MedGen C1970203, MONDO:0012611, OMIM 611087.

Submission:

Labcorp Genetics (formerly Invitae), Labcorp
Classification: Uncertain significance for Polyhydramnios, megalencephaly, and symptomatic epilepsy. Last evaluated: 2020-03-26. Review status: criteria provided, single submitter. Criteria: Invitae Variant Classification Sherloc (09022015). Collection method: clinical testing. Allele origin: germline.
Comment: Experimental studies and prediction algorithms are not available or were not evaluated, and the functional significance of this variant is currently unknown. In summary, the available evidence is currently insufficient to determine the role of this variant in disease. Therefore, it has been classified as a Variant of Uncertain Significance. This variant has not been reported in the literature in individuals with STRADA-related conditions. This sequence change replaces proline with serine at codon 64 of the STRADA protein (p.Pro64Ser). The proline residue is hightly conserved and there is a moderate physicochemical difference between proline and serine. This variant is not present in population databases (ExAC no frequency).

NM_001003787.4(STRADA):c.189_190delinsCT (p.Pro64Ser)

Gene: STRADA (STE20 related adaptor alpha; minus strand). Cytogenetic location: 17q23.3.
Variant type: Indel.
Coding change: c.189_190delinsCT on transcript NM_001003787.4 (MANE Select); coding-DNA positions 189 to 190, GC replaced by CT.
Protein change: p.Pro64Ser; replaces proline 64 with serine.
Molecular consequence: missense variant. On other transcripts: non-coding transcript variant (1), intron variant (1).
Genome position (GRCh38, 1-based): chr17:63,714,042-63,714,043, GC replaced by AG on the plus strand (GC replaced by CT on the coding strand, the reverse complement: STRADA is on the minus strand). VCF-style: chr17-63714042-GC-AG. GRCh37 (hg19) VCF-style: chr17-61791402-GC-AG.
Other names: c.78_79delinsCT, p.Pro27Ser (NM_001003786.3, NM_001363789.1, NM_153335.6); c.15_16delinsCT, p.Pro6Ser (NM_001003788.3, NM_001363790.1, NM_001363791.1); c.102_103delinsCT, p.Pro35Ser (NM_001165969.2, NM_001363787.1); c.165_166delinsCT, p.Pro56Ser (NM_001363786.1); c.189_190delinsCT, p.Pro64Ser (NM_001363788.1); c.95-516_95-515delinsCT (NM_001165970.2); short protein forms P27S, P35S, P56S, P64S, P6S.
Identifiers: ClinVar variation 1060344 (VCV001060344.7), dbSNP rs2143919891, ClinGen allele CA2499224829.